The following is an entry in ClinVar:

ClinVar aggregate classification (germline): Pathogenic. Review status: criteria provided, single submitter (1 of 4 stars). 2 submissions from 2 submitters: Pathogenic (1). 1 of the submissions does not count toward it. Last evaluated 2022-05-09.

Conditions:
Cystic fibrosis (CF). Also called: MUCOVISCIDOSIS. Identifiers: Orphanet 586, MedGen C0010674, MONDO:0009061, OMIM 219700. Disease mechanism: loss of function.

Submissions (2):

Labcorp Genetics (formerly Invitae), Labcorp
Classification: Pathogenic for Cystic fibrosis. Last evaluated: 2022-05-09. Review status: criteria provided, single submitter. Criteria: Invitae Variant Classification Sherloc (09022015). Collection method: clinical testing. Allele origin: germline.
Comment: For these reasons, this variant has been classified as Pathogenic. ClinVar contains an entry for this variant (Variation ID: 53977). This variant is also known as 624 del T. This premature translational stop signal has been observed in individual(s) with cystic fibrosis (PMID: 7541273). This variant is not present in population databases (gnomAD no frequency). This sequence change creates a premature translational stop signal (p.Leu165*) in the CFTR gene. It is expected to result in an absent or disrupted protein product. Loss-of-function variants in CFTR are known to be pathogenic (PMID: 1695717, 7691345, 9725922).

ClinVar Staff, National Center for Biotechnology Information (NCBI)
No classification provided. Condition: CFTR-related disorders. Review status: no classification provided. Collection method: literature only. Allele origin: germline. Affected: yes. Not counted in ClinVar's aggregate classification.

Literature cited by the submitters: PubMed 7541273 (cited by Labcorp Genetics (formerly Invitae), Labcorp and ClinVar Staff, National Center for Biotechnology Information (NCBI)); PubMed 1695717 (cited by Labcorp Genetics (formerly Invitae), Labcorp); PubMed 7691345 (cited by Labcorp Genetics (formerly Invitae), Labcorp); PubMed 9725922 (cited by Labcorp Genetics (formerly Invitae), Labcorp).

NM_000492.4(CFTR):c.494del (p.Thr164_Leu165insTer)

Gene: CFTR (CF transmembrane conductance regulator; plus strand). Cytogenetic location: 7q31.2.
Variant type: Deletion.
Coding change: c.494del on transcript NM_000492.4 (MANE Select); coding-DNA position 494, one base deleted (T; older notation c.494delT).
Protein change: p.Thr164_Leu165insTer.
Molecular consequence: nonsense.
Genome position (GRCh38, 1-based): chr7:117,534,280, T deleted; the last of 3 consecutive T bases (chr7:117,534,278-117,534,280); deleting any one gives the same sequence. VCF-style (leftmost placement, unchanged base first): chr7-117534277-CT-C. GRCh37 (hg19) VCF-style: chr7-117174331-CT-C.
Other names: c.494delT (NM_000492.3).
Identifiers: ClinVar variation 53977 (VCV000053977.5), dbSNP rs397508737, ClinGen allele CA327537.